The following is an entry in ClinVar:

ClinVar aggregate classification (germline): Uncertain significance. Review status: criteria provided, multiple submitters, no conflicts (2 of 4 stars). 2 submissions from 2 submitters: Uncertain significance (2). Last evaluated 2026-08-05.

Conditions:
TTC8-related disorder. Also called: TTC8-related condition.
Inborn genetic diseases. Identifiers: MedGen C0950123, MeSH D030342.

Allele frequency attached by ClinVar (database versions not stated): gnomAD 0.00001; TOPMed 0.00001.

Submissions (2):

PreventionGenetics, part of Exact Sciences
Classification: Uncertain significance for TTC8-related condition. Last evaluated: 2026-08-05. Review status: criteria provided, single submitter. Criteria: ACMG Guidelines, 2015. Collection method: clinical testing. Allele origin: germline.
Comment: The TTC8 c.1492C>T variant is predicted to result in the amino acid substitution p.His498Tyr. To our knowledge, this variant has not been reported in the literature. This variant is reported in 0.011% of alleles in individuals of African descent in gnomAD. At this time, the clinical significance of this variant is uncertain due to the absence of conclusive functional and genetic evidence.

Ambry Genetics
Classification: Uncertain significance for Inborn genetic diseases. Last evaluated: 2021-08-12. Review status: criteria provided, single submitter. Criteria: Ambry Variant Classification Scheme 2023. Collection method: clinical testing. Allele origin: germline.

NM_144596.4(TTC8):c.1492C>T (p.His498Tyr)

Gene: TTC8 (tetratricopeptide repeat domain 8; plus strand). Cytogenetic location: 14q31.3.
Variant type: single nucleotide variant.
Coding change: c.1492C>T on transcript NM_144596.4 (MANE Select); coding-DNA position 1492, C replaced by T.
Protein change: p.His498Tyr; replaces histidine 498 with tyrosine.
Molecular consequence: missense variant. On other transcripts: non-coding transcript variant (1).
Genome position (GRCh38, 1-based): chr14:88,877,354, C>T. VCF-style: chr14-88877354-C-T. GRCh37 (hg19) VCF-style: chr14-89343698-C-T.
Other names: c.1492C>T (NM_144596.3); c.1540C>T, p.His514Tyr (NM_001288781.1); c.898C>T, p.His300Tyr (NM_001288782.1); c.775C>T, p.His259Tyr (NM_001288783.1); c.1378C>T, p.His460Tyr (NM_001366535.2); c.1288C>T, p.His430Tyr (NM_001366536.2); c.1462C>T, p.His488Tyr (NM_198309.3); c.1372C>T, p.His458Tyr (NM_198310.3); short protein forms H488Y, H514Y, H259Y, H300Y, H458Y, H460Y, H498Y, H430Y.
Identifiers: ClinVar variation 2243300 (VCV002243300.3), dbSNP rs1168679256, ClinGen allele CA390555287.